The following is an entry in ClinVar:

ClinVar aggregate classification (germline): Uncertain significance. Review status: criteria provided, multiple submitters, no conflicts (2 of 4 stars). 2 submissions from 2 submitters: Uncertain significance (2). Last evaluated 2026-09-18.

Conditions:
VWF-related disorder. Also called: VWF-related condition; VWF-related disorders.
Inborn genetic diseases. Identifiers: MedGen C0950123, MeSH D030342.

Allele frequency attached by ClinVar (database versions not stated): gnomAD 0.00001; TOPMed 0.00001.
gnomAD v4.1: 20 of 1,613,982 alleles (0.0012%); highest among the groups gnomAD compares: Non-Finnish European, 0.0017%; no homozygotes.

Submissions (2):

PreventionGenetics, part of Exact Sciences
Classification: Uncertain significance for VWF-related condition. Last evaluated: 2026-09-18. Review status: criteria provided, single submitter. Criteria: ACMG Guidelines, 2015. Collection method: clinical testing. Allele origin: germline.
Comment: The VWF c.1295G>T variant is predicted to result in the amino acid substitution p.Cys432Phe. To our knowledge, this variant has not been reported in the literature or in a large population database (gnomAD), indicating this variant is rare. At this time, the clinical significance of this variant is uncertain due to the absence of conclusive functional and genetic evidence.

Ambry Genetics
Classification: Uncertain significance for Inborn genetic diseases. Last evaluated: 2022-08-02. Review status: criteria provided, single submitter. Criteria: Ambry Variant Classification Scheme 2023. Collection method: clinical testing. Allele origin: germline.

NM_000552.5(VWF):c.1295G>T (p.Cys432Phe)

Gene: VWF (von Willebrand factor; minus strand). Cytogenetic location: 12p13.31.
Variant type: single nucleotide variant.
Coding change: c.1295G>T on transcript NM_000552.5 (MANE Select); coding-DNA position 1295, G replaced by T.
Protein change: p.Cys432Phe; replaces cysteine 432 with phenylalanine.
Molecular consequence: missense variant.
Genome position (GRCh38, 1-based): chr12:6,064,383, C>A on the plus strand (G>T on the coding strand, the complement: VWF is on the minus strand). VCF-style: chr12-6064383-C-A. GRCh37 (hg19) VCF-style: chr12-6173549-C-A.
Other names: c.1295G>T (NM_000552.4); short protein forms C432F.
Identifiers: ClinVar variation 2378177 (VCV002378177.3), dbSNP rs779213804, ClinGen allele CA232314138.